The following is an entry in ClinVar:

NM_000548.5(TSC2):c.3698A>G (p.Asn1233Ser)

Gene: TSC2 (TSC complex subunit 2; plus strand). Cytogenetic location: 16p13.3.
Variant type: single nucleotide variant.
Coding change: c.3698A>G on transcript NM_000548.5 (MANE Select); coding-DNA position 3698, A replaced by G.
Protein change: p.Asn1233Ser; replaces asparagine 1233 with serine.
Molecular consequence: missense variant.
Genome position (GRCh38, 1-based): chr16:2,081,682, A>G. VCF-style: chr16-2081682-A-G. GRCh37 (hg19) VCF-style: chr16-2131683-A-G.
Other names: c.3566A>G, p.Asn1189Ser (NM_001077183.3, NM_001370404.1); c.3698A>G, p.Asn1233Ser (NM_001114382.3); c.3458A>G, p.Asn1153Ser (NM_001318827.2); c.3422A>G, p.Asn1141Ser (NM_001318829.2); c.2966A>G, p.Asn989Ser (NM_001318831.2); c.3599A>G, p.Asn1200Ser (NM_001318832.2); c.3569A>G, p.Asn1190Ser (NM_001363528.2, NM_001370405.1, NM_021055.3); short protein forms N1233S, N989S, N1141S, N1153S, N1200S, N1189S, N1190S.
Identifiers: ClinVar variation 486663 (VCV000486663.6), dbSNP rs1412376534, ClinGen allele CA394292542.
Genomic context (GRCh38, chr16:2,081,682, plus strand): 5'-AGAACCCGCTCAGCCCTTTCTCCTCGGACATCAACAACATGCCCCTGCAGGAGCTGTCTA[A>G]CGCCCTCATGGCGGCTGAGCGCTTCAAGGAGCACCGGGACACAGCCCTGTACAAGTCACT-3'
Protein context (NP_000539.2, residues 1223-1243): INNMPLQELS[Asn1233Ser]ALMAAERFKE

ClinVar aggregate classification (germline): Uncertain significance (1 of 4 stars; one submission).

Conditions:
Hereditary cancer-predisposing syndrome. Also called: Tumor predisposition; Hereditary Cancer Syndrome; Hereditary neoplastic syndrome; Neoplastic Syndromes, Hereditary. Identifiers: Orphanet 140162, MedGen C0027672, MeSH D009386, MONDO:0015356.

Allele frequency attached by ClinVar (database versions not stated): gnomAD exomes below 0.00001.
gnomAD v4.1: 2 of 1,612,964 alleles (0.00012%); highest among the groups gnomAD compares: Non-Finnish European, 0.00017%; no homozygotes.

Submission:

Ambry Genetics
Classification: Uncertain significance for Hereditary cancer-predisposing syndrome. Last evaluated: 2025-06-27. Review status: criteria provided, single submitter. Criteria: Ambry Variant Classification Scheme 2023. Collection method: clinical testing. Allele origin: germline.
Comment: The p.N1233S variant (also known as c.3698A>G), located in coding exon 30 of the TSC2 gene, results from an A to G substitution at nucleotide position 3698. The asparagine at codon 1233 is replaced by serine, an amino acid with highly similar properties. This amino acid position is not well conserved in available vertebrate species. In addition, the in silico prediction for this alteration is inconclusive. Based on the available evidence, the clinical significance of this variant remains unclear.